The following is an entry in ClinVar:

NM_004548.3(NDUFB10):c.448C>G (p.Leu150Val)

Gene: NDUFB10 (NADH:ubiquinone oxidoreductase subunit B10; plus strand). Cytogenetic location: 16p13.3.
Variant type: single nucleotide variant.
Coding change: c.448C>G on transcript NM_004548.3 (MANE Select); coding-DNA position 448, C replaced by G.
Protein change: p.Leu150Val; replaces leucine 150 with valine.
Molecular consequence: missense variant.
Genome position (GRCh38, 1-based): chr16:1,961,835, C>G. VCF-style: chr16-1961835-C-G. GRCh37 (hg19) VCF-style: chr16-2011836-C-G.
Other names: short protein forms L150V.
Identifiers: ClinVar variation 2048290 (VCV002048290.4), dbSNP rs2548245019, ClinGen allele CA394265471.

ClinVar aggregate classification (germline): Uncertain significance (1 of 4 stars; one submission).

Submission:

Labcorp Genetics (formerly Invitae), Labcorp
Classification: Uncertain significance. Last evaluated: 2022-08-29. Review status: criteria provided, single submitter. Criteria: Invitae Variant Classification Sherloc (09022015). Collection method: clinical testing. Allele origin: germline.
Comment: This variant has not been reported in the literature in individuals affected with NDUFB10-related conditions. This variant is not present in population databases (gnomAD no frequency). This sequence change replaces leucine, which is neutral and non-polar, with valine, which is neutral and non-polar, at codon 150 of the NDUFB10 protein (p.Leu150Val). In summary, the available evidence is currently insufficient to determine the role of this variant in disease. Therefore, it has been classified as a Variant of Uncertain Significance. Algorithms developed to predict the effect of missense changes on protein structure and function (SIFT, PolyPhen-2, Align-GVGD) all suggest that this variant is likely to be tolerated.